The following is an entry in ClinVar:

NM_001370466.1(NOD2):c.2192C>T (p.Ala731Val)

Gene: NOD2 (nucleotide binding oligomerization domain containing 2; plus strand). Cytogenetic location: 16q12.1.
Variant type: single nucleotide variant.
Coding change: c.2192C>T on transcript NM_001370466.1 (MANE Select); coding-DNA position 2192, C replaced by T.
Protein change: p.Ala731Val; replaces alanine 731 with valine.
Molecular consequence: missense variant. On other transcripts: non-coding transcript variant (1).
Genome position (GRCh38, 1-based): chr16:50,712,184, C>T. VCF-style: chr16-50712184-C-T. GRCh37 (hg19) VCF-style: chr16-50746095-C-T.
Other names: c.2273C>T (LRG_177t1); c.2192C>T, p.Ala731Val (NM_001293557.2); c.2273C>T, p.Ala758Val (NM_022162.3); short protein forms A758V, A731V.
Identifiers: ClinVar variation 97847 (VCV000097847.7), dbSNP rs104895442, ClinGen allele CA150253.

ClinVar aggregate classification (germline): Uncertain significance. Review status: criteria provided, multiple submitters, no conflicts (2 of 4 stars). 3 submissions from 3 submitters: Uncertain significance (2). 1 of the submissions does not count toward it. Last evaluated 2023-10-16.

Conditions:
Autoinflammatory syndrome. Identifiers: Orphanet 93665, MedGen C3890737, MONDO:0019751.
Blau syndrome (BLAUS). Also called: ARTHROCUTANEOUVEAL GRANULOMATOSIS; GRANULOMATOSIS, FAMILIAL JUVENILE SYSTEMIC; GRANULOMATOSIS, FAMILIAL, BLAU TYPE; GRANULOMATOUS INFLAMMATORY ARTHRITIS, DERMATITIS, AND UVEITIS, FAMILIAL; JABS SYNDROME. Identifiers: Orphanet 90340, MedGen C5201146, MONDO:0008523, OMIM 186580.
Regional enteritis. Also called: Enteritis, Granulomatous. Identifiers: MedGen C0678202, MeSH D003424.

Allele frequency attached by ClinVar (database versions not stated): TOPMed below 0.00001; gnomAD 0.00001; gnomAD exomes 0.00001; ExAC 0.00002.
gnomAD v4.1: 21 of 1,613,830 alleles (0.0013%); highest among the groups gnomAD compares: Non-Finnish European, 0.0018%; 1 homozygote.

Submissions (3):

Labcorp Genetics (formerly Invitae), Labcorp
Classification: Uncertain significance for Regional enteritis; Blau syndrome. Last evaluated: 2023-10-16. Review status: criteria provided, single submitter. Criteria: Invitae Variant Classification Sherloc (09022015). Collection method: clinical testing. Allele origin: germline.
Comment: This sequence change replaces alanine, which is neutral and non-polar, with valine, which is neutral and non-polar, at codon 758 of the NOD2 protein (p.Ala758Val). This variant is present in population databases (rs104895442, gnomAD 0.003%). This missense change has been observed in individual(s) with Crohn's disease (PMID: 11385576, 11875755). This variant is also known as A731V. ClinVar contains an entry for this variant (Variation ID: 97847). Advanced modeling of protein sequence and biophysical properties (such as structural, functional, and spatial information, amino acid conservation, physicochemical variation, residue mobility, and thermodynamic stability) performed at Invitae indicates that this missense variant is not expected to disrupt NOD2 protein function. In summary, the available evidence is currently insufficient to determine the role of this variant in disease. Therefore, it has been classified as a Variant of Uncertain Significance.

Genome Diagnostics Laboratory, The Hospital for Sick Children
Classification: Uncertain significance for Autoinflammatory syndrome. Last evaluated: 2020-11-02. Review status: criteria provided, single submitter. Criteria: ACMG Guidelines, 2015. Collection method: clinical testing. Allele origin: germline. Affected: yes.

Unité médicale des maladies autoinflammatoires, CHRU Montpellier
No classification provided. Condition: Sarcoidosis, early-onset. Review status: no classification provided. Collection method: not provided. Allele origin: unknown. Not counted in ClinVar's aggregate classification.
Comment: also involved in OMIM 186580 and 266600

Literature cited by the submitters: PubMed 11385576 (cited by Labcorp Genetics (formerly Invitae), Labcorp); PubMed 11875755 (cited by Labcorp Genetics (formerly Invitae), Labcorp).